The following is an entry in ClinVar:

NM_000232.5(SGCB):c.-10_19dup (p.Ala7fs)

Genes: SGCB (sarcoglycan beta; minus strand), LOC129992585 (ATAC-STARR-seq lymphoblastoid silent region 15421; plus strand). Cytogenetic location: 4q12.
Variant type: Duplication.
Coding change: c.-10_19dup on transcript NM_000232.5 (MANE Select); 10 bases upstream of the start codon through coding-DNA position 19, 29 bases duplicated (GCGCGGGAAGATGGCGGCAGCGGCGGCGG).
Protein change: p.Ala7fs; shifts the reading frame from alanine 7.
Molecular consequence: frameshift variant, initiator codon variant.
Genome position (GRCh38, 1-based): chr4:52,038,241-52,038,269, CCGCCGCCGCTGCCGCCATCTTCCCGCGC duplicated on the plus strand (GCGCGGGAAGATGGCGGCAGCGGCGGCGG on the coding strand, the reverse complement: SGCB is on the minus strand); duplicating any 29 consecutive bases within chr4:52,038,241-52,038,279 gives the same sequence; the c. name uses the placement nearest the transcript's 3' end. VCF-style (leftmost placement, unchanged base first): chr4-52038240-G-GCCGCCGCCGCTGCCGCCATCTTCCCGCGC. GRCh37 (hg19) VCF-style: chr4-52904406-G-GCCGCCGCCGCTGCCGCCATCTTCCCGCGC.
Other names: short protein forms A7fs.
Identifiers: ClinVar variation 2977165 (VCV002977165.3), dbSNP rs1737453248, ClinGen allele CA1062454577.
Genomic context (GRCh38, chr4:52,038,240, plus strand): 5'-GGCCTCCCCCGCTCCTCCAGCCCGCGGCCGCGGCGGTACTCACAGACCTGTTCTGCAGCC[G>GCCGCCGCCGCTGCCGCCATCTTCCCGCGC]CCGCCGCCGCTGCCGCCATCTTCCCGCGCCCGCCGCCGCCGAGCTCCCCGCCCGACTGTG-3'

ClinVar aggregate classification (germline): Pathogenic (1 of 4 stars; one submission).

Conditions:
Autosomal recessive limb-girdle muscular dystrophy type 2E (LGMDR4). Also called: MUSCULAR DYSTROPHY, LIMB-GIRDLE, AUTOSOMAL RECESSIVE 4. Identifiers: Orphanet 119, MedGen C1858593, MONDO:0011423, OMIM 604286. Disease mechanism: Affects gamma-sarcoglycan and also disrupts the integrity of the entire sarcoglycan complex..

Submission:

Labcorp Genetics (formerly Invitae), Labcorp
Classification: Pathogenic for Autosomal recessive limb-girdle muscular dystrophy type 2E. Last evaluated: 2024-01-16. Review status: criteria provided, single submitter. Criteria: Invitae Variant Classification Sherloc (09022015). Collection method: clinical testing. Allele origin: germline.
Comment: This sequence change creates a premature translational stop signal (p.Ala7Glyfs*22) in the SGCB gene. It is expected to result in an absent or disrupted protein product. Loss-of-function variants in SGCB are known to be pathogenic (PMID: 15938573, 18285821). This variant is not present in population databases (gnomAD no frequency). This variant has not been reported in the literature in individuals affected with SGCB-related conditions. Experimental studies and prediction algorithms are not available or were not evaluated, and the functional significance of this variant is currently unknown. For these reasons, this variant has been classified as Pathogenic.

Literature cited by the submitters: PubMed 15938573; PubMed 18285821.